The following is an entry in ClinVar:

NM_032382.5(COG8):c.1785C>T (p.Cys595=)

Genes: COG8 (component of oligomeric golgi complex 8; minus strand), LOC130059304 (ATAC-STARR-seq lymphoblastoid silent region 7657; plus strand). Cytogenetic location: 16q22.1.
Variant type: single nucleotide variant.
Coding change: c.1785C>T on transcript NM_032382.5 (MANE Select); coding-DNA position 1785, C replaced by T.
Protein change: p.Cys595=; no amino-acid change (cysteine 595 retained).
Molecular consequence: synonymous variant. On other transcripts: intron variant (3).
Genome position (GRCh38, 1-based): chr16:69,330,893, G>A on the plus strand (C>T on the coding strand, the complement: COG8 is on the minus strand). VCF-style: chr16-69330893-G-A. GRCh37 (hg19) VCF-style: chr16-69364796-G-A.
Other names: c.1926C>T, p.Cys642= (NM_001379261.1); c.1824C>T, p.Cys608= (NM_001379263.1); c.1785C>T, p.Cys595= (NM_001379264.1); c.1414-1714C>T (NM_001379266.1); c.1583-1714C>T (NM_001379265.1); c.1759+26C>T (NM_001379262.1).
Identifiers: ClinVar variation 681421 (VCV000681421.17), dbSNP rs761610722, ClinGen allele CA8133603.

ClinVar aggregate classification (germline): Likely benign. Review status: criteria provided, multiple submitters, no conflicts (2 of 4 stars). 3 submissions from 3 submitters: Likely benign (3). Last evaluated 2025-09-16.

Conditions:
COG8-congenital disorder of glycosylation. Also called: COG8-CDG; CDG IIh. Identifiers: Orphanet 95428, MedGen C1970021, MONDO:0012635, OMIM 611182.

Allele frequency attached by ClinVar (database versions not stated): TOPMed 0.00003; gnomAD 0.00005; gnomAD exomes 0.00005 and 0.00010; ExAC 0.00008.
gnomAD v4.1: 153 of 1,549,716 alleles (0.0099%); highest among the groups gnomAD compares: Middle Eastern, 0.034%; no homozygotes.

Submissions (3):

Labcorp Genetics (formerly Invitae), Labcorp
Classification: Likely benign for COG8-congenital disorder of glycosylation. Last evaluated: 2025-09-16. Review status: criteria provided, single submitter. Criteria: Invitae Variant Classification Sherloc (09022015). Collection method: clinical testing. Allele origin: germline.

CeGaT Center for Human Genetics Tuebingen
Classification: Likely benign. Last evaluated: 2025-07-01. Review status: criteria provided, single submitter. Criteria: CeGaT Center For Human Genetics Tuebingen Variant Classification Criteria Version 2. Collection method: clinical testing. Allele origin: germline. Affected: yes. Observed: 1 variant allele.
Comment: COG8: BP4, BP7

GeneDx
Classification: Likely benign. Last evaluated: 2018-04-12. Review status: criteria provided, single submitter. Criteria: GeneDx Variant Classification (06012015). Collection method: clinical testing. Allele origin: germline. Affected: yes.
Comment: This variant is considered likely benign or benign based on one or more of the following criteria: it is a conservative change, it occurs at a poorly conserved position in the protein, it is predicted to be benign by multiple in silico algorithms, and/or has population frequency not consistent with disease.